The following is an entry in ClinVar:

NM_000260.4(MYO7A):c.5738A>G (p.Asp1913Gly)

Gene: MYO7A (myosin VIIA; plus strand). Cytogenetic location: 11q13.5.
Variant type: single nucleotide variant.
Coding change: c.5738A>G on transcript NM_000260.4 (MANE Select); coding-DNA position 5738, A replaced by G.
Protein change: p.Asp1913Gly; replaces aspartic acid 1913 with glycine.
Molecular consequence: missense variant.
Genome position (GRCh38, 1-based): chr11:77,206,198, A>G. VCF-style: chr11-77206198-A-G. GRCh37 (hg19) VCF-style: chr11-76917243-A-G.
Other names: c.5624A>G, p.Asp1875Gly (NM_001127180.2); c.5591A>G, p.Asp1864Gly (NM_001369365.1); short protein forms D1864G, D1913G, D1875G.
Identifiers: ClinVar variation 1515074 (VCV001515074.8), dbSNP rs1284622546, ClinGen allele CA381953387.

ClinVar aggregate classification (germline): Uncertain significance (1 of 4 stars; one submission).

Submission:

Labcorp Genetics (formerly Invitae), Labcorp
Classification: Uncertain significance. Last evaluated: 2025-12-08. Review status: criteria provided, single submitter. Criteria: Invitae Variant Classification Sherloc (09022015). Collection method: clinical testing. Allele origin: germline.
Comment: This sequence change replaces aspartic acid, which is acidic and polar, with glycine, which is neutral and non-polar, at codon 1913 of the MYO7A protein (p.Asp1913Gly). This variant is not present in population databases (gnomAD no frequency). This variant has not been reported in the literature in individuals affected with MYO7A-related conditions. ClinVar contains an entry for this variant (Variation ID: 1515074). Invitae Evidence Modeling of protein sequence and biophysical properties (such as structural, functional, and spatial information, amino acid conservation, physicochemical variation, residue mobility, and thermodynamic stability) has been performed for this missense variant. However, the output from this modeling did not meet the statistical confidence thresholds required to predict the impact of this variant on MYO7A protein function. In summary, the available evidence is currently insufficient to determine the role of this variant in disease. Therefore, it has been classified as a Variant of Uncertain Significance.